The following is an entry in ClinVar:

ClinVar aggregate classification (germline): Uncertain significance. Review status: criteria provided, multiple submitters, no conflicts (2 of 4 stars). 3 submissions from 3 submitters: Uncertain significance (3). Last evaluated 2025-10-06.

Conditions:
Neuropathy, hereditary sensory and autonomic, type 1A (HSAN1A). Also called: SPTLC1-Related Hereditary Sensory Neuropathy; NEUROPATHY, HEREDITARY SENSORY AND AUTONOMIC, TYPE IA; HSAN IA; HSN IA; NEUROPATHY, HEREDITARY SENSORY RADICULAR, AUTOSOMAL DOMINANT, TYPE 1A. Identifiers: MedGen C5235211, MONDO:0008086, OMIM 162400.
Hereditary sensory and autonomic neuropathy type 1 (HSAN1). Also called: HSAN 1; HSN Type I; Hereditary Sensory Neuropathy Type I. Identifiers: Orphanet 36386, MedGen C0020071, MONDO:0018213.
Inborn genetic diseases. Identifiers: MedGen C0950123, MeSH D030342.

Allele frequency attached by ClinVar (database versions not stated): gnomAD 0.00003; TOPMed 0.00001.
gnomAD v4.1: 4 of 1,613,938 alleles (0.00025%); highest among the groups gnomAD compares: Admixed American, 0.0033%; no homozygotes.

Submissions (3):

Ambry Genetics
Classification: Uncertain significance for Inborn genetic diseases. Last evaluated: 2025-10-06. Review status: criteria provided, single submitter. Criteria: Ambry Variant Classification Scheme 2023. Collection method: clinical testing. Allele origin: germline.

Labcorp Genetics (formerly Invitae), Labcorp
Classification: Uncertain significance for Hereditary sensory and autonomic neuropathy type 1. Last evaluated: 2024-05-01. Review status: criteria provided, single submitter. Criteria: Invitae Variant Classification Sherloc (09022015). Collection method: clinical testing. Allele origin: germline.
Comment: This sequence change replaces leucine, which is neutral and non-polar, with phenylalanine, which is neutral and non-polar, at codon 353 of the SPTLC1 protein (p.Leu353Phe). This variant is not present in population databases (gnomAD no frequency). This variant has not been reported in the literature in individuals affected with SPTLC1-related conditions. ClinVar contains an entry for this variant (Variation ID: 812049). Advanced modeling of protein sequence and biophysical properties (such as structural, functional, and spatial information, amino acid conservation, physicochemical variation, residue mobility, and thermodynamic stability) performed at Invitae indicates that this missense variant is not expected to disrupt SPTLC1 protein function with a negative predictive value of 80%. In summary, the available evidence is currently insufficient to determine the role of this variant in disease. Therefore, it has been classified as a Variant of Uncertain Significance.

ARUP Laboratories, Molecular Genetics and Genomics, ARUP Laboratories
Classification: Uncertain significance for Neuropathy, hereditary sensory and autonomic, type 1A. Last evaluated: 2019-06-17. Review status: criteria provided, single submitter. Criteria: ARUP Molecular Germline Variant Investigation Process. Collection method: clinical testing. Allele origin: germline.
Comment: The SPTLC1 c.1057C>T p.Leu353Phe variant (rs1372273697), to our knowledge, is not reported in the medical literature. This variant is also absent from general population databases (Exome Variant Server, Genome Aggregation Database), indicating it is not a common polymorphism. The leucine at position 353 is highly conserved and computational analyses of the effects of the p.Leu353Phe variant on protein structure and function is deleterious (SIFT: damaging, PolyPhen-2: probably damaging). Altogether, there is not enough evidence to classify the p.Leu353Phe variant with certainty.

NM_006415.4(SPTLC1):c.1057C>T (p.Leu353Phe)

Gene: SPTLC1 (serine palmitoyltransferase long chain base subunit 1; minus strand). Cytogenetic location: 9q22.31.
Variant type: single nucleotide variant.
Coding change: c.1057C>T on transcript NM_006415.4 (MANE Select); coding-DNA position 1057, C replaced by T.
Protein change: p.Leu353Phe; replaces leucine 353 with phenylalanine.
Molecular consequence: missense variant.
Genome position (GRCh38, 1-based): chr9:92,047,196, G>A on the plus strand (C>T on the coding strand, the complement: SPTLC1 is on the minus strand). VCF-style: chr9-92047196-G-A. GRCh37 (hg19) VCF-style: chr9-94809478-G-A.
Other names: c.1057C>T, p.Leu353Phe (NM_001281303.2); c.691C>T, p.Leu231Phe (NM_001368272.1); c.592C>T, p.Leu198Phe (NM_001368273.1); c.1057C>T (NM_006415.2); short protein forms L198F, L231F, L353F.
Identifiers: ClinVar variation 812049 (VCV000812049.17), dbSNP rs1372273697, ClinGen allele CA373792427.